The following is an entry in ClinVar:

NM_000459.5(TEK):c.475+20_475+41del

Gene: TEK (TEK receptor tyrosine kinase; plus strand). Cytogenetic location: 9p21.2.
Variant type: Deletion.
Coding change: c.475+20_475+41del on transcript NM_000459.5 (MANE Select); bases 20 to 41 of the intron after coding-DNA position 475, 22 bases deleted (CTTTCCCCAGTATGATGTGAGA).
Molecular consequence: intron variant.
Genome position (GRCh38, 1-based): chr9:27,168,625-27,168,646, CTTTCCCCAGTATGATGTGAGA deleted. VCF-style (leftmost placement, unchanged base first): chr9-27168624-GCTTTCCCCAGTATGATGTGAGA-G. GRCh37 (hg19) VCF-style: chr9-27168622-GCTTTCCCCAGTATGATGTGAGA-G.
Other names: c.475+20_475+41del (NM_001290077.2, NM_001375475.1, NM_001375476.1); c.163+20_163+41del (NM_001290078.2).
Identifiers: ClinVar variation 4700970 (VCV004700970.1).

ClinVar aggregate classification (germline): Uncertain significance (1 of 4 stars; one submission).

Submission:

Labcorp Genetics (formerly Invitae), Labcorp
Classification: Uncertain significance. Last evaluated: 2025-04-07. Review status: criteria provided, single submitter. Criteria: Invitae Variant Classification Sherloc (09022015). Collection method: clinical testing. Allele origin: germline.
Comment: This sequence change falls in intron 3 of the TEK gene. It does not directly change the encoded amino acid sequence of the TEK protein. This variant is present in population databases (rs781628296, gnomAD 0.01%). This variant has not been reported in the literature in individuals affected with TEK-related conditions. Experimental studies and prediction algorithms are not available or were not evaluated, and the effect of this variant on mRNA splicing is currently unknown. In summary, the available evidence is currently insufficient to determine the role of this variant in disease. Therefore, it has been classified as a Variant of Uncertain Significance.